The following is an entry in ClinVar:

NM_003922.4(HERC1):c.12546A>G (p.Ala4182=)

Gene: HERC1 (HECT and RLD domain containing E3 ubiquitin protein ligase family member 1; minus strand). Cytogenetic location: 15q22.31.
Variant type: single nucleotide variant.
Coding change: c.12546A>G on transcript NM_003922.4 (MANE Select); coding-DNA position 12546, A replaced by G.
Protein change: p.Ala4182=; no amino-acid change (alanine 4182 retained).
Molecular consequence: synonymous variant.
Genome position (GRCh38, 1-based): chr15:63,634,757, T>C on the plus strand (A>G on the coding strand, the complement: HERC1 is on the minus strand). VCF-style: chr15-63634757-T-C. GRCh37 (hg19) VCF-style: chr15-63926956-T-C.
Identifiers: ClinVar variation 5038765 (VCV005038765.1).
Genomic context (GRCh38, chr15:63,634,757, plus strand): 5'-TGATCAGCTAGAATATCTTATTGATTTATTCCATGCCTGTCCAATCTGATATCCCTCCAG[T>C]GCAGTCACTCTCTCTGGAAGTTTTTTGTTAGAGGTATTTCCAAGACCCAGACGACCATAG-3'
Protein context (NP_003913.3, residues 4172-4192): SNKKLPERVT[Ala4182=]LEGYQIGQVA

ClinVar aggregate classification (germline): Likely benign (1 of 4 stars; one submission).

Submission:

CeGaT Center for Human Genetics Tuebingen
Classification: Likely benign. Last evaluated: 2026-07-01. Review status: criteria provided, single submitter. Criteria: CeGaT Center For Human Genetics Tuebingen Variant Classification Criteria Version 2. Collection method: clinical testing. Allele origin: germline. Affected: yes. Observed: 1 variant allele.
Comment: HERC1: PM2:Supporting, BP4, BP7